The following is an entry in ClinVar:

ClinVar aggregate classification (germline): Likely benign. Review status: criteria provided, multiple submitters, no conflicts (2 of 4 stars). 6 submissions from 6 submitters: Likely benign (6). Last evaluated 2026-08-05.

Conditions:
ATM-related disorder. Also called: ATM-related disorders; ATM-related condition.
Familial cancer of breast. Also called: Hereditary breast cancer; hereditary breast carcinoma; BREAST CANCER, FAMILIAL. Identifiers: Orphanet 227535, MedGen C0346153, MONDO:0016419, OMIM 114480. Disease mechanism: loss of function.
Ataxia-telangiectasia syndrome (AT). Also called: Ataxia telangiectasia (A-T); LOUIS-BAR SYNDROME; Cerebello-oculocutaneous telangiectasia; Immunodeficiency with ataxia telangiectasia; AT, COMPLEMENTATION GROUP C; Ataxia-telangiectasia, complementation group D. Identifiers: Orphanet 100, MedGen C0004135, MONDO:0008840, OMIM 208900.

Allele frequency attached by ClinVar (database versions not stated): TOPMed 0.00005.
gnomAD v4.1: 2 of 1,612,674 alleles (0.00012%); highest among the groups gnomAD compares: African/African-American, 0.0013%; no homozygotes.

Submissions (6):

PreventionGenetics, part of Exact Sciences
Classification: Likely benign for ATM-related condition. Last evaluated: 2026-08-05. Review status: criteria provided, single submitter. Criteria: ACMG Guidelines, 2015. Collection method: clinical testing. Allele origin: germline.
Comment: This variant is classified as likely benign based on ACMG/AMP sequence variant interpretation guidelines (Richards et al. 2015 PMID: 25741868, with internal and published modifications).

Labcorp Genetics (formerly Invitae), Labcorp
Classification: Likely benign for Ataxia-telangiectasia syndrome. Last evaluated: 2025-12-29. Review status: criteria provided, single submitter. Criteria: Invitae Variant Classification Sherloc (09022015). Collection method: clinical testing. Allele origin: germline.

Myriad Genetics, Inc.
Classification: Likely benign for Familial cancer of breast. Last evaluated: 2024-05-10. Review status: criteria provided, single submitter. Criteria: Myriad Autosomal Dominant, Autosomal Recessive and X-Linked Classification Criteria (2023). Collection method: clinical testing. Allele origin: unknown.
Comment: This variant is considered likely benign. This variant is intronic and is not expected to impact mRNA splicing.

Blueprint Genetics
Classification: Likely benign. Last evaluated: 2022-01-05. Review status: criteria provided, single submitter. Criteria: ACMG Guidelines, 2015. Collection method: clinical testing. Allele origin: germline.

ARUP Laboratories, Molecular Genetics and Genomics, ARUP Laboratories
Classification: Likely benign. Last evaluated: 2019-07-31. Review status: criteria provided, single submitter. Criteria: ARUP Molecular Germline Variant Investigation Process. Collection method: clinical testing. Allele origin: germline.

GeneDx
Classification: Likely benign. Last evaluated: 2017-04-13. Review status: criteria provided, single submitter. Criteria: GeneDx Variant Classification (06012015). Collection method: clinical testing. Allele origin: germline. Affected: yes.
Comment: This variant is considered likely benign or benign based on one or more of the following criteria: it is a conservative change, it occurs at a poorly conserved position in the protein, it is predicted to be benign by multiple in silico algorithms, and/or has population frequency not consistent with disease.

NM_000051.4(ATM):c.2838+9C>A

Gene: ATM (ATM serine/threonine kinase; plus strand). Cytogenetic location: 11q22.3.
Variant type: single nucleotide variant.
Coding change: c.2838+9C>A on transcript NM_000051.4 (MANE Select); 9 bases into the intron after coding-DNA position 2838, C replaced by A.
Molecular consequence: intron variant.
Genome position (GRCh38, 1-based): chr11:108,268,618, C>A. VCF-style: chr11-108268618-C-A. GRCh37 (hg19) VCF-style: chr11-108139345-C-A.
Other names: c.2838+9C>A (NM_001351834.2).
Identifiers: ClinVar variation 453436 (VCV000453436.23), dbSNP rs370160823, ClinGen allele CA602132594.